The following is an entry in ClinVar:

NM_007294.4(BRCA1):c.5292A>T (p.Leu1764=)

Gene: BRCA1 (BRCA1 DNA repair associated; minus strand). Cytogenetic location: 17q21.31.
Variant type: single nucleotide variant.
Coding change: c.5292A>T on transcript NM_007294.4 (MANE Select); coding-DNA position 5292, A replaced by T.
Protein change: p.Leu1764=; no amino-acid change (leucine 1764 retained).
Molecular consequence: synonymous variant. On other transcripts: intron variant (2).
Genome position (GRCh38, 1-based): chr17:43,051,103, T>A on the plus strand (A>T on the coding strand, the complement: BRCA1 is on the minus strand). VCF-style: chr17-43051103-T-A. GRCh37 (hg19) VCF-style: chr17-41203120-T-A.
Other names: c.4404A>T, p.Leu1468= (NM_001407966.1); c.5079A>T, p.Leu1693= (NM_001407571.1, NM_001407894.1, NM_001407895.1 and 12 more transcripts); c.5358A>T, p.Leu1786= (NM_001407581.1, NM_001407582.1); c.5355A>T, p.Leu1785= (NM_001407583.1, NM_001407585.1, NM_001407587.1 and 1 more transcripts); c.5352A>T, p.Leu1784= (NM_001407590.1, NM_001407591.1); c.5292A>T, p.Leu1764= (NM_001407593.1, NM_001407594.1, NM_001407596.1 and 6 more transcripts); c.5289A>T, p.Leu1763= (NM_001407610.1, NM_001407611.1, NM_001407612.1 and 17 more transcripts); c.5286A>T, p.Leu1762= (NM_001407627.1, NM_001407628.1, NM_001407629.1 and 14 more transcripts); and 74 more.
Identifiers: ClinVar variation 865271 (VCV000865271.3), dbSNP rs2051209584, ClinGen allele CA500143595.
Genomic context (GRCh38, chr17:43,051,103, plus strand): 5'-GGGTTCTCCCAGGCTCTTACCTGTGGGCATGTTGGTGAAGGGCCCATAGCAACAGATTTC[T>A]AGCCCCCTGAAGATCTGGAAGAAGAGAGGAAGAGAGAGGGACAGGGGAATGGAGAGAAGG-3'
Protein context (NP_009225.1, residues 1754-1774): ESQDRKIFRG[Leu1764=]EICCYGPFTN

Conditions:
Breast-ovarian cancer, familial, susceptibility to, 1 (BROVCA1). Also called: BRCA1 Hereditary Breast and Ovarian Cancer; OVARIAN CANCER, SUSCEPTIBILITY TO. Identifiers: Orphanet 145, MedGen C2676676, MONDO:0011450, OMIM 604370. Disease mechanism: loss of function.

Submission:

Brotman Baty Institute, University of Washington
No classification provided (evidence only). Condition: Breast-ovarian cancer, familial 1. Review status: no classification provided. Collection method: in vitro. Allele origin: not applicable. Functional consequence: functionally_normal.
ClinVar note: "not provided" was previously submitted as the classification for the variant. However, the classification appeared to be based only on an observation of functional data so it was converted to no classification on 2025-07-30.